The following is an entry in ClinVar:

NM_207391.3(RGS9BP):c.542C>T (p.Ala181Val)

Gene: RGS9BP (regulator of G protein signaling 9 binding protein; plus strand). Cytogenetic location: 19q13.11.
Variant type: single nucleotide variant.
Coding change: c.542C>T on transcript NM_207391.3 (MANE Select); coding-DNA position 542, C replaced by T.
Protein change: p.Ala181Val; replaces alanine 181 with valine.
Molecular consequence: missense variant.
Genome position (GRCh38, 1-based): chr19:32,676,805, C>T. VCF-style: chr19-32676805-C-T. GRCh37 (hg19) VCF-style: chr19-33167711-C-T.
Other names: short protein forms A181V.
Identifiers: ClinVar variation 854132 (VCV000854132.10), dbSNP rs868621396, ClinGen allele CA307486349.

ClinVar aggregate classification (germline): Uncertain significance. Review status: criteria provided, multiple submitters, no conflicts (2 of 4 stars). 2 submissions from 2 submitters: Uncertain significance (2). Last evaluated 2024-12-02.

Allele frequency attached by ClinVar (database versions not stated): gnomAD 0.00001; gnomAD exomes 0.00001 and 0.00002; TOPMed 0.00002.

Submissions (2):

Labcorp Genetics (formerly Invitae), Labcorp
Classification: Uncertain significance. Last evaluated: 2024-12-02. Review status: criteria provided, single submitter. Criteria: Invitae Variant Classification Sherloc (09022015). Collection method: clinical testing. Allele origin: germline.
Comment: This sequence change replaces alanine, which is neutral and non-polar, with valine, which is neutral and non-polar, at codon 181 of the RGS9BP protein (p.Ala181Val). The frequency data for this variant in the population databases is considered unreliable, as metrics indicate poor data quality at this position in the gnomAD database. This variant has not been reported in the literature in individuals affected with RGS9BP-related conditions. ClinVar contains an entry for this variant (Variation ID: 854132). An algorithm developed to predict the effect of missense changes on protein structure and function (PolyPhen-2) suggests that this variant is likely to be disruptive. In summary, the available evidence is currently insufficient to determine the role of this variant in disease. Therefore, it has been classified as a Variant of Uncertain Significance.

Blueprint Genetics
Classification: Uncertain significance. Last evaluated: 2019-05-24. Review status: criteria provided, single submitter. Criteria: ACMG Guidelines, 2015. Collection method: clinical testing. Allele origin: germline.